The following is an entry in ClinVar:

ClinVar aggregate classification (germline): Likely pathogenic (1 of 4 stars; one submission).

Conditions:
Intellectual developmental disorder, autosomal recessive 1. Also called: MENTAL RETARDATION, AUTOSOMAL RECESSIVE 1; Intellectual disability, autosomal recessive 1. Identifiers: Orphanet 88616, MedGen C1855304, MONDO:0009580, OMIM 249500.

Submission:

First Genomix Gene Laboratory, Genetic Diagnostics Department
Classification: Likely pathogenic for Intellectual developmental disorder, autosomal recessive 1. Last evaluated: 2025-05-28. Review status: criteria provided, single submitter. Criteria: ACMG Guidelines, 2015. Collection method: clinical testing. Allele origin: germline. Inheritance: Autosomal recessive inheritance. Affected: no. Observed: 1 variant allele.

NM_003619.4(PRSS12):c.1022del (p.Pro341fs)

Gene: PRSS12 (serine protease 12; minus strand). Cytogenetic location: 4q26.
Variant type: Deletion.
Coding change: c.1022del on transcript NM_003619.4 (MANE Select); coding-DNA position 1022, one base deleted (C; older notation c.1022delC).
Protein change: p.Pro341fs; shifts the reading frame from proline 341.
Molecular consequence: frameshift variant.
Genome position (GRCh38, 1-based): chr4:118,318,506, G deleted on the plus strand (C on the coding strand, the reverse complement: PRSS12 is on the minus strand); the first of 3 consecutive G bases (chr4:118,318,506-118,318,508); deleting any one gives the same sequence. VCF-style (leftmost placement, unchanged base first): chr4-118318505-TG-T. GRCh37 (hg19) VCF-style: chr4-119239660-TG-T.
Other names: c.1022delC (NM_003619.4); c.1022del, p.Pro341fs (NM_001440549.1, NM_001440550.1, NM_001440551.1); short protein forms P341fs.
Identifiers: ClinVar variation 4849491 (VCV004849491.1).